The following is an entry in ClinVar:

ClinVar aggregate classification (germline): Benign (1 of 4 stars; one submission).

Submission:

CeGaT Center for Human Genetics Tuebingen
Classification: Benign. Last evaluated: 2022-07-01. Review status: criteria provided, single submitter. Criteria: CeGaT Center For Human Genetics Tuebingen Variant Classification Criteria Version 2. Collection method: clinical testing. Allele origin: germline. Affected: yes. Observed: 1 variant allele.
Comment: STING1: BS1, BS2

NM_198282.4(STING1):c.*4_*5del

Gene: STING1 (stimulator of interferon response cGAMP interactor 1; minus strand). Cytogenetic location: 5q31.2.
Variant type: Deletion.
Coding change: c.*4_*5del on transcript NM_198282.4 (MANE Select); 4 bases downstream of the stop codon through 5 bases downstream of the stop codon, 2 bases deleted (CC; older notation c.*4_*5delCC).
Molecular consequence: 3 prime UTR variant.
Genome position (GRCh38, 1-based): chr5:139,476,256-139,476,257, GG deleted on the plus strand (CC on the coding strand, the reverse complement: STING1 is on the minus strand); deleting any 2 consecutive bases within chr5:139,476,256-139,476,258 gives the same sequence; the c. name uses the placement nearest the transcript's 3' end. VCF-style (leftmost placement, unchanged base first): chr5-139476255-TGG-T. GRCh37 (hg19) VCF-style: chr5-138855840-TGG-T.
Other names: c.*105_*106del (NM_001301738.2); c.*4_*5del (NM_001367258.1).
Identifiers: ClinVar variation 2655733 (VCV002655733.24), dbSNP rs766293227, ClinGen allele CA3435225.